The following is an entry in ClinVar:

ClinVar aggregate classification (germline): Benign/Likely benign. Review status: criteria provided, multiple submitters, no conflicts (2 of 4 stars). 21 submissions from 21 submitters: Benign (14); Likely benign (2). 5 of the submissions do not count toward it. Last evaluated 2026-02-03.

Conditions:
Breast and/or ovarian cancer. Identifiers: MedGen CN221562.
Hereditary cancer-predisposing syndrome. Also called: Tumor predisposition; Hereditary neoplastic syndrome; Neoplastic Syndromes, Hereditary; Hereditary Cancer Syndrome. Identifiers: Orphanet 140162, MedGen C0027672, MeSH D009386, MONDO:0015356.
Hereditary breast ovarian cancer syndrome. Also called: Hereditary breast and ovarian cancer syndrome; Hereditary breast and ovarian cancer; Hereditary breast and ovarian cancer syndrome (HBOC); Breast and ovarian cancer; BRCA1- and BRCA2-Associated Hereditary Breast and Ovarian Cancer; Hereditary breast and/or ovarian cancer syndrome. Identifiers: Orphanet 145, MedGen C0677776, MeSH D061325, MONDO:0003582. Disease mechanism: loss of function.
Familial cancer of breast. Also called: BREAST CANCER, FAMILIAL; Hereditary breast cancer; hereditary breast carcinoma. Identifiers: Orphanet 227535, MedGen C0346153, MONDO:0016419, OMIM 114480. Disease mechanism: loss of function.
Ataxia-telangiectasia syndrome (AT). Also called: ATAXIA-TELANGIECTASIA, COMPLEMENTATION GROUP A; ATAXIA-TELANGIECTASIA, FRESNO VARIANT; Ataxia-telangiectasia; LOUIS-BAR SYNDROME; Cerebello-oculocutaneous telangiectasia; Immunodeficiency with ataxia telangiectasia. Identifiers: Orphanet 100, MedGen C0004135, MONDO:0008840, OMIM 208900.

Allele frequency attached by ClinVar (database versions not stated): ExAC 0.00158; gnomAD 0.00557 and 0.00599; 1000 Genomes Project 0.00559; gnomAD exomes 0.00051 and 0.00141; ESP Exome Variant Server 0.00585; 1000 Genomes Project 30x 0.00625; TOPMed 0.00677.
gnomAD v4.1: 1,653 of 1,613,870 alleles (0.1%); highest among the groups gnomAD compares: African/African-American, 1.8%; 14 homozygotes.

Submissions (21):

Labcorp Genetics (formerly Invitae), Labcorp
Classification: Benign for Ataxia-telangiectasia syndrome. Last evaluated: 2026-02-03. Review status: criteria provided, single submitter. Criteria: Invitae Variant Classification Sherloc (09022015). Collection method: clinical testing. Allele origin: germline.

Mayo Clinic Laboratories, Mayo Clinic
Classification: Benign. Last evaluated: 2025-08-12. Review status: criteria provided, single submitter. Criteria: ACMG Guidelines, 2015. Collection method: clinical testing. Allele origin: germline. Observed: 10 variant alleles.
Comment: BS1, BS2, BP4, BP7

ARUP Laboratories, Molecular Genetics and Genomics, ARUP Laboratories
Classification: Benign. Last evaluated: 2025-05-21. Review status: criteria provided, single submitter. Criteria: ARUP Molecular Germline Variant Investigation Process 2024. Collection method: clinical testing. Allele origin: germline.

Center for Genomic Medicine, Rigshospitalet, Copenhagen University Hospital
Classification: Benign. Last evaluated: 2025-03-04. Review status: criteria provided, single submitter. Criteria: ACMG Guidelines, 2015. Collection method: clinical testing. Allele origin: germline.

KCCC/NGS Laboratory, Kuwait Cancer Control Center
Classification: Benign for Familial cancer of breast. Last evaluated: 2025-02-01. Review status: criteria provided, single submitter. Criteria: ACMG Guidelines, 2015. Collection method: clinical testing. Allele origin: germline. Affected: no.

Myriad Genetics, Inc.
Classification: Benign for Familial cancer of breast. Last evaluated: 2024-05-16. Review status: criteria provided, single submitter. Criteria: Myriad Autosomal Dominant, Autosomal Recessive and X-Linked Classification Criteria (2023). Collection method: clinical testing. Allele origin: unknown.
Comment: This variant is considered benign. This variant is a silent/synonymous amino acid change and it is not expected to impact splicing.

Athena Diagnostics
Classification: Benign. Last evaluated: 2023-10-04. Review status: criteria provided, single submitter. Criteria: Athena Diagnostics Criteria. Collection method: clinical testing. Allele origin: unknown.

CHEO Genetics Diagnostic Laboratory, Children's Hospital of Eastern Ontario
Classification: Benign for Breast and/or ovarian cancer. Last evaluated: 2022-11-15. Review status: criteria provided, single submitter. Criteria: ACMG Guidelines, 2015. Collection method: clinical testing. Allele origin: germline.

National Health Laboratory Service, Universitas Academic Hospital and University of the Free State
Classification: Likely benign for Hereditary breast ovarian cancer syndrome. Last evaluated: 2022-04-19. Review status: criteria provided, single submitter. Criteria: ACMG Guidelines, 2015. Collection method: clinical testing. Allele origin: germline. Affected: yes. Observed: 2 variant alleles.

Genetic Services Laboratory, University of Chicago
Classification: Benign. Last evaluated: 2017-10-09. Review status: criteria provided, single submitter. Criteria: ACMG Guidelines, 2015. Collection method: clinical testing. Allele origin: germline. Affected: no.

PreventionGenetics, part of Exact Sciences
Classification: Benign. Last evaluated: 2017-06-21. Review status: criteria provided, single submitter. Criteria: ACMG Guidelines, 2015. Collection method: clinical testing. Allele origin: germline.

Illumina Laboratory Services, Illumina
Classification: Benign for Ataxia-telangiectasia syndrome. Last evaluated: 2017-04-28. Review status: criteria provided, single submitter. Criteria: ICSL Variant Classification Criteria 13 December 2019. Collection method: clinical testing. Allele origin: germline.
Comment: This variant was observed as part of a predisposition screen in an ostensibly healthy population. A literature search was performed for the gene, cDNA change, and amino acid change (where applicable). Publications were found based on this search. The evidence from the literature, in combination with allele frequency data from public databases where available, was sufficient to rule this variant out of causing disease. Therefore, this variant is classified as benign.

Color Diagnostics, LLC DBA Color Health
Classification: Benign for Hereditary cancer-predisposing syndrome. Last evaluated: 2015-05-18. Review status: criteria provided, single submitter. Criteria: ACMG Guidelines, 2015. Collection method: clinical testing. Allele origin: germline.

GeneDx
Classification: Benign. Last evaluated: 2015-03-03. Review status: criteria provided, single submitter. Criteria: GeneDx Variant Classification Process June 2021. Collection method: clinical testing. Allele origin: germline. Affected: yes.
Comment: This variant is associated with the following publications: (PMID: 17333338)

Ambry Genetics
Classification: Benign for Hereditary cancer-predisposing syndrome. Last evaluated: 2014-07-22. Review status: criteria provided, single submitter. Criteria: Ambry Variant Classification Scheme 2023. Collection method: clinical testing. Allele origin: germline.

Breakthrough Genomics
Classification: Likely benign. Review status: criteria provided, single submitter. Criteria: ACMG Guidelines, 2015. Collection method: not provided. Allele origin: germline. Inheritance: Autosomal recessive inheritance. Affected: yes.

Clinical Genetics DNA and cytogenetics Diagnostics Lab, Erasmus MC, Erasmus Medical Center
Classification: Benign. Review status: no assertion criteria provided. Collection method: clinical testing. Allele origin: germline. Affected: yes. Study: VKGL Data-share Consensus. Not counted in ClinVar's aggregate classification.

Clinical Genetics Laboratory, Department of Pathology, Netherlands Cancer Institute
Classification: Likely benign. Review status: no assertion criteria provided. Collection method: clinical testing. Allele origin: germline. Affected: yes. Study: VKGL Data-share Consensus. Not counted in ClinVar's aggregate classification.

Department of Pathology and Laboratory Medicine, Sinai Health System
Classification: Benign. Review status: no assertion criteria provided. Collection method: clinical testing. Allele origin: unknown. Affected: yes. Study: The Canadian Open Genetics Repository (COGR). Not counted in ClinVar's aggregate classification.
Comment: The ATM p.Leu1348= variant was identified in 3 of 54 proband chromosomes (frequency: 0.06) from Moroccan individuals or families with AT (Ataxia-Telangiectasia) (Jeddane_2013_23322442). The variant was also identified in dbSNP (ID: rs56355831) â€šÃ„ÃºWith Benign alleleâ€šÃ„Ã¹, ClinVar (classified benign by Invitae and Ambry Genetics), Clinvitae (2x), LOVD 3.0 (1x), and was not identified in GeneInsight-COGR, Cosmic, or MutDB databases. The variant was identified in control databases in 505 (5 homozygous) of 274492 chromosomes at a frequency of 0.002 increasing the likelihood this could be a low frequency benign variant (Genome Aggregation Database Feb 27, 2017). Breakdown of the observations by population include African in 448 (5 homozygous) of 24030 chromosomes (freq: 0.02), Other in 11 of 6442 chromosomes (freq: 0.002), Latino in 40 of 34398 chromosomes (freq: 0.001), European Non-Finnish in 6 of 124160 chromosomes (freq: 0.00005), while not observed in the Ashkenazi Jewish, East Asian, European Finnish, and South Asian populations. The p.Leu1348= variant is not expected to have clinical significance because it does not result in a change of amino acid and is not located in a known consensus splice site. In addition, in silico or computational prediction software programs (SpliceSiteFinder, MaxEntScan, NNSPLICE, GeneSplicer, HumanSpliceFinder) do not predict a difference in splicing. In summary, based on the above information this variant meets our laboratory's criteria to be classified as benign.

Genome Diagnostics Laboratory, University Medical Center Utrecht
Classification: Benign. Review status: no assertion criteria provided. Collection method: clinical testing. Allele origin: germline. Affected: yes. Study: VKGL Data-share Consensus. Not counted in ClinVar's aggregate classification.

Laboratory of Diagnostic Genome Analysis, Leiden University Medical Center (LUMC)
Classification: Benign. Review status: no assertion criteria provided. Collection method: clinical testing. Allele origin: germline. Affected: yes. Study: VKGL Data-share Consensus. Not counted in ClinVar's aggregate classification.

Literature cited by the submitters: PubMed 23322442 (cited by 3 submitters); PubMed 12673797 (cited by Athena Diagnostics and Illumina Laboratory Services, Illumina); PubMed 12935933 (cited by Athena Diagnostics); PubMed 32300177 (cited by Athena Diagnostics).

NM_000051.4(ATM):c.4042T>C (p.Leu1348=)

Gene: ATM (ATM serine/threonine kinase; plus strand). Cytogenetic location: 11q22.3.
Variant type: single nucleotide variant.
Coding change: c.4042T>C on transcript NM_000051.4 (MANE Select); coding-DNA position 4042, T replaced by C.
Protein change: p.Leu1348=; no amino-acid change (leucine 1348 retained).
Molecular consequence: synonymous variant.
Genome position (GRCh38, 1-based): chr11:108,287,648, T>C. VCF-style: chr11-108287648-T-C. GRCh37 (hg19) VCF-style: chr11-108158375-T-C.
Other names: NP_000042.3:p.Leu1348=; p.Leu1348=; c.4042T>C, p.Leu1348= (NM_001351834.2).
Identifiers: ClinVar variation 132715 (VCV000132715.47), dbSNP rs56355831, ClinGen allele CA186506.